The following is an entry in ClinVar:

NM_001130438.3(SPTAN1):c.2778+196C>G

Gene: SPTAN1 (spectrin alpha, non-erythrocytic 1; plus strand). Cytogenetic location: 9q34.11.
Variant type: single nucleotide variant.
Coding change: c.2778+196C>G on transcript NM_001130438.3 (MANE Select); 196 bases into the intron after coding-DNA position 2778, C replaced by G.
Molecular consequence: intron variant.
Genome position (GRCh38, 1-based): chr9:128,586,161, C>G. VCF-style: chr9-128586161-C-G. GRCh37 (hg19) VCF-style: chr9-131348440-C-G.
Other names: c.2778+196C>G (NM_001195532.2, NM_001363759.2, NM_003127.4 and 1 more transcripts).
Identifiers: ClinVar variation 670575 (VCV000670575.1), dbSNP rs11790032, ClinGen allele CA15606943.
Genomic context (GRCh38, chr9:128,586,161, plus strand): 5'-TTTTTCACTTGGTTTTTTTTTTTTTTTTTTTTTTTTTGGAGACAGAGTCTCACTCTTGCC[C>G]AGGCTGGACTGCAATGTTACAATTGTGGCTCACTGCAGCCTCAAACTCCTGGGCTCAAGC-3'

ClinVar aggregate classification (germline): Benign (1 of 4 stars; one submission).

Allele frequency attached by ClinVar (database versions not stated): 1000 Genomes Project 30x 0.64085; 1000 Genomes Project 0.64237; TOPMed 0.73464; gnomAD 0.75132.
gnomAD v4.1: 102,189 of 134,392 alleles (76%); highest among the groups gnomAD compares: Non-Finnish European, 90%; 41,081 homozygotes.

Submission:

GeneDx
Classification: Benign. Last evaluated: 2018-06-14. Review status: criteria provided, single submitter. Criteria: GeneDx Variant Classification (06012015). Collection method: clinical testing. Allele origin: germline. Affected: yes.
Comment: This variant is considered likely benign or benign based on one or more of the following criteria: it is a conservative change, it occurs at a poorly conserved position in the protein, it is predicted to be benign by multiple in silico algorithms, and/or has population frequency not consistent with disease.